The following is an entry in ClinVar:

ClinVar aggregate classification (germline): Conflicting classifications of pathogenicity. Review status: criteria provided, conflicting classifications (1 of 4 stars). 2 submissions from 2 submitters: Likely pathogenic (1); Uncertain significance (1). Last evaluated 2025-12-09.

Conditions:
Left ventricular noncompaction cardiomyopathy. Also called: left ventricular non-compaction cardiomyopathy. Identifiers: MedGen C4021133, HP:0011664.
Hypertrophic cardiomyopathy. Also called: HYPERTROPHIC MYOCARDIOPATHY. Identifiers: Orphanet 217569, MedGen C0007194, MeSH D002312, MONDO:0005045, HP:0001639.

Submissions (2):

Labcorp Genetics (formerly Invitae), Labcorp
Classification: Uncertain significance for Hypertrophic cardiomyopathy. Last evaluated: 2025-12-09. Review status: criteria provided, single submitter. Criteria: Invitae Variant Classification Sherloc (09022015). Collection method: clinical testing. Allele origin: germline.
Comment: This sequence change replaces alanine, which is neutral and non-polar, with valine, which is neutral and non-polar, at codon 86 of the TPM1 protein (p.Ala86Val). This variant is not present in population databases (gnomAD no frequency). This missense change has been observed in individual(s) with left ventricular noncompaction cardiomyopathy (PMID: 31568572). ClinVar contains an entry for this variant (Variation ID: 691844). An algorithm developed to predict the effect of missense changes on protein structure and function (PolyPhen-2) suggests that this variant is likely to be disruptive. In summary, the available evidence is currently insufficient to determine the role of this variant in disease. Therefore, it has been classified as a Variant of Uncertain Significance.

Klaassen Lab, Charite University Medicine Berlin
Classification: Likely pathogenic for Left ventricular noncompaction cardiomyopathy. Review status: criteria provided, single submitter. Criteria: ACMG Guidelines, 2015. Collection method: research. Allele origin: germline. Affected: yes.

Literature cited by the submitters: PubMed 31568572 (cited by Labcorp Genetics (formerly Invitae), Labcorp and Klaassen Lab, Charite University Medicine Berlin); PubMed 34540771 (cited by Klaassen Lab, Charite University Medicine Berlin); PubMed 31333075 (cited by Klaassen Lab, Charite University Medicine Berlin).

NM_001018005.2(TPM1):c.257C>T (p.Ala86Val)

Gene: TPM1 (tropomyosin 1; plus strand). Cytogenetic location: 15q22.2.
Variant type: single nucleotide variant.
Coding change: c.257C>T on transcript NM_001018005.2 (MANE Select); coding-DNA position 257, C replaced by T.
Protein change: p.Ala86Val; replaces alanine 86 with valine.
Molecular consequence: missense variant.
Genome position (GRCh38, 1-based): chr15:63,057,001, C>T. VCF-style: chr15-63057001-C-T. GRCh37 (hg19) VCF-style: chr15-63349200-C-T.
Other names: c.257C>T, p.Ala86Val (NM_000366.6, NM_001018004.2, NM_001018006.2 and 6 more transcripts); c.149C>T, p.Ala50Val (NM_001018008.2, NM_001301289.2, NM_001330344.2 and 5 more transcripts); c.383C>T, p.Ala128Val (NM_001365778.1); short protein forms A86V, A128V, A50V.
Identifiers: ClinVar variation 691844 (VCV000691844.9), dbSNP rs757577112, ClinGen allele CA392720632.